The following is an entry in ClinVar:

NM_001382344.1(RGPD1):c.2640T>C (p.Tyr880=)

Gene: RGPD1 (RANBP2 like and GRIP domain containing 1; plus strand). Cytogenetic location: 2p11.2.
Variant type: single nucleotide variant.
Coding change: c.2640T>C on transcript NM_001382344.1 (MANE Select); coding-DNA position 2640, T replaced by C.
Protein change: p.Tyr880=; no amino-acid change (tyrosine 880 retained).
Molecular consequence: synonymous variant.
Genome position (GRCh38, 1-based): chr2:86,984,812, T>C. VCF-style: chr2-86984812-T-C. GRCh37 (hg19) VCF-style: chr2-87211935-T-C.
Other names: c.2616T>C, p.Tyr872= (NM_001024457.4); c.2640T>C, p.Tyr880= (NM_001410915.1).
Identifiers: ClinVar variation 2651105 (VCV002651105.24), dbSNP rs763823852, ClinGen allele CA1751824.
Genomic context (GRCh38, chr2:86,984,812, plus strand): 5'-AGTTGCAACTACTGGCCCTTCAGTATATTATAGTCAGTCACCAGCATATAATTCCCAGTA[T>C]CTTCTCAGACCAGCAGCTAATGTTACTCCCACAAAGGTAACAAAGGAATAATTTATACAT-3'
Protein context (NP_001369273.1, residues 870-890): YSQSPAYNSQ[Tyr880=]LLRPAANVTP

ClinVar aggregate classification (germline): Likely benign (1 of 4 stars; one submission).

Allele frequency attached by ClinVar (database versions not stated): ExAC 0.00047.

Submission:

CeGaT Center for Human Genetics Tuebingen
Classification: Likely benign. Last evaluated: 2023-03-01. Review status: criteria provided, single submitter. Criteria: CeGaT Center For Human Genetics Tuebingen Variant Classification Criteria Version 2. Collection method: clinical testing. Allele origin: germline. Affected: yes. Observed: 1 variant allele.
Comment: RGPD1: BP4, BP7